The following is an entry in ClinVar:

NM_000336.3(SCNN1B):c.964G>T (p.Glu322Ter)

Gene: SCNN1B (sodium channel epithelial 1 subunit beta; plus strand). Cytogenetic location: 16p12.2.
Variant type: single nucleotide variant.
Coding change: c.964G>T on transcript NM_000336.3 (MANE Select); coding-DNA position 964, G replaced by T.
Protein change: p.Glu322Ter; replaces glutamic acid 322 with a stop codon.
Molecular consequence: nonsense.
Genome position (GRCh38, 1-based): chr16:23,371,382, G>T. VCF-style: chr16-23371382-G-T. GRCh37 (hg19) VCF-style: chr16-23382703-G-T.
Other names: c.964G>T, p.Glu322Ter (NM_001410900.1); short protein forms E322*.
Identifiers: ClinVar variation 3579980 (VCV003579980.2).

ClinVar aggregate classification (germline): Likely pathogenic. Review status: criteria provided, multiple submitters, no conflicts (2 of 4 stars). 2 submissions from 2 submitters: Likely pathogenic (2). Last evaluated 2026-08-06.

Conditions:
Pseudohypoaldosteronism, type IB2, autosomal recessive (PHA1B2). Identifiers: MedGen C5774255, MONDO:0859317, OMIM 620125.
Liddle syndrome 1 (LIDLS1). Also called: PSEUDOALDOSTERONISM. Identifiers: Orphanet 526, MedGen CN031472, MONDO:0020607, OMIM 177200.
Bronchiectasis with or without elevated sweat chloride 1 (BESC1). Also called: Cystic Fibrosis-Like Syndrome. Identifiers: Orphanet 60033, MedGen C2749757, MONDO:0008887, OMIM 211400.

Submissions (2):

OLLIN Analises Genomicas, OLLIN
Classification: Likely pathogenic for Pseudohypoaldosteronism, type IB2, autosomal recessive. Last evaluated: 2026-08-06. Review status: criteria provided, single submitter. Criteria: ACMG Guidelines 2015 PMID 25741868. Collection method: clinical testing. Allele origin: germline.
Comment: This nonsense variant, located in exon 6 (of 13), is absent from gnomAD and has not been identified in the literature. However, it has been reported in ClinVar (accession VCV003579980.1). This variant introduces a premature stop codon, which is predicted to result in either a truncated protein or degradation of the mRNA via nonsense-mediated decay (NMD). According to the currently available evidence, this variant has been classified as likely pathogenic (PVS1, PM2_P).

Fulgent Genetics
Classification: Likely pathogenic for Liddle syndrome 1; Bronchiectasis with or without elevated sweat chloride 1; Pseudohypoaldosteronism, type IB2, autosomal recessive. Last evaluated: 2024-04-04. Review status: criteria provided, single submitter. Criteria: ACMG Guidelines, 2015. Collection method: clinical testing. Allele origin: germline.